The following is an entry in ClinVar:

NM_001243133.2(NLRP3):c.2239A>C (p.Ser747Arg)

Gene: NLRP3 (NLR family pyrin domain containing 3; plus strand). Cytogenetic location: 1q44.
Variant type: single nucleotide variant.
Coding change: c.2239A>C on transcript NM_001243133.2 (MANE Select); coding-DNA position 2239, A replaced by C.
Protein change: p.Ser747Arg; replaces serine 747 with arginine.
Molecular consequence: missense variant. On other transcripts: intron variant (2).
Genome position (GRCh38, 1-based): chr1:247,429,673, A>C. VCF-style: chr1-247429673-A-C. GRCh37 (hg19) VCF-style: chr1-247592975-A-C.
Other names: c.2239A>C, p.Ser747Arg (NM_001079821.3, NM_001127461.3); c.2245A>C, p.Ser749Arg (NM_004895.5); c.2150+4074A>C (NM_001127462.3, NM_183395.3); short protein forms S747R, S749R.
Identifiers: ClinVar variation 2716307 (VCV002716307.3), dbSNP rs2527320090, ClinGen allele CA345559233.

ClinVar aggregate classification (germline): Uncertain significance (1 of 4 stars; one submission).

Conditions:
Cryopyrin associated periodic syndrome (CAPS). Identifiers: Orphanet 208650, MedGen C2316212, MONDO:0016168.

Submission:

Labcorp Genetics (formerly Invitae), Labcorp
Classification: Uncertain significance for Cryopyrin associated periodic syndrome. Last evaluated: 2023-06-15. Review status: criteria provided, single submitter. Criteria: Invitae Variant Classification Sherloc (09022015). Collection method: clinical testing. Allele origin: germline.
Comment: This sequence change replaces serine, which is neutral and polar, with arginine, which is basic and polar, at codon 749 of the NLRP3 protein (p.Ser749Arg). This variant is not present in population databases (gnomAD no frequency). This variant has not been reported in the literature in individuals affected with NLRP3-related conditions. Advanced modeling of protein sequence and biophysical properties (such as structural, functional, and spatial information, amino acid conservation, physicochemical variation, residue mobility, and thermodynamic stability) has been performed at Invitae for this missense variant, however the output from this modeling did not meet the statistical confidence thresholds required to predict the impact of this variant on NLRP3 protein function. In summary, the available evidence is currently insufficient to determine the role of this variant in disease. Therefore, it has been classified as a Variant of Uncertain Significance.